The following is an entry in ClinVar:

ClinVar aggregate classification (germline): Uncertain significance (1 of 4 stars; one submission).

Conditions:
Ornithine aminotransferase deficiency (GACR). Also called: Ornithine ketoacid aminotransferase deficiency; Gyrate atrophy; Gyrate atrophy of choroid and retina; Girate atrophy of the retina; HYPERORNITHINEMIA WITH GYRATE ATROPHY OF CHOROID AND RETINA; OAT DEFICIENCY. Identifiers: Orphanet 414, MedGen C0018425, MONDO:0009796, OMIM 258870.

Submission:

Labcorp Genetics (formerly Invitae), Labcorp
Classification: Uncertain significance for Ornithine aminotransferase deficiency. Last evaluated: 2022-07-25. Review status: criteria provided, single submitter. Criteria: Invitae Variant Classification Sherloc (09022015). Collection method: clinical testing. Allele origin: germline.
Comment: This sequence change replaces aspartic acid, which is acidic and polar, with threonine, which is neutral and polar, at codon 205 of the OAT protein (p.Asp205Thr). The frequency data for this variant in the population databases is considered unreliable, as metrics indicate poor data quality at this position in the gnomAD database. This variant has not been reported in the literature in individuals affected with OAT-related conditions. Algorithms developed to predict the effect of missense changes on protein structure and function are either unavailable or do not agree on the potential impact of this missense change (SIFT: "Not Available"; PolyPhen-2: "Benign"; Align-GVGD: "Not Available"). In summary, the available evidence is currently insufficient to determine the role of this variant in disease. Therefore, it has been classified as a Variant of Uncertain Significance.

NM_000274.4(OAT):c.613_614delinsAC (p.Asp205Thr)

Gene: OAT (ornithine aminotransferase; minus strand). Cytogenetic location: 10q26.13.
Variant type: Indel.
Coding change: c.613_614delinsAC on transcript NM_000274.4 (MANE Select); coding-DNA positions 613 to 614, GA replaced by AC.
Protein change: p.Asp205Thr; replaces aspartic acid 205 with threonine.
Molecular consequence: missense variant.
Genome position (GRCh38, 1-based): chr10:124,405,470-124,405,471, TC replaced by GT on the plus strand (GA replaced by AC on the coding strand, the reverse complement: OAT is on the minus strand). VCF-style: chr10-124405470-TC-GT. GRCh37 (hg19) VCF-style: chr10-126094039-TC-GT.
Other names: c.199_200delinsAC, p.Asp67Thr (NM_001171814.2); c.613_614delinsAC, p.Asp205Thr (NM_001322965.2, NM_001322966.2, NM_001322967.2 and 3 more transcripts); c.292_293delinsAC, p.Asp98Thr (NM_001322971.2); c.13_14delinsAC, p.Asp5Thr (NM_001322974.2); short protein forms D5T, D67T, D205T, D98T.
Identifiers: ClinVar variation 2143404 (VCV002143404.1), dbSNP rs2494476395, ClinGen allele CA2580082449.